The following is an entry in ClinVar:

NM_000632.4(ITGAM):c.2871C>A (p.Val957=)

Gene: ITGAM (integrin subunit alpha M; plus strand). Cytogenetic location: 16p11.2.
Variant type: single nucleotide variant.
Coding change: c.2871C>A on transcript NM_000632.4 (MANE Select); coding-DNA position 2871, C replaced by A.
Protein change: p.Val957=; no amino-acid change (valine 957 retained).
Molecular consequence: synonymous variant.
Genome position (GRCh38, 1-based): chr16:31,329,800, C>A. VCF-style: chr16-31329800-C-A. GRCh37 (hg19) VCF-style: chr16-31341121-C-A.
Other names: c.2874C>A, p.Val958= (NM_001145808.2).
Identifiers: ClinVar variation 2817020 (VCV002817020.3), dbSNP rs2544506569, ClinGen allele CA494719989.
Genomic context (GRCh38, chr16:31,329,800, plus strand): 5'-TTCTCCAGGCTGGTGGGGGAGGAAGGCCAGAGCCCTGACCCCGCCCTCCCCGGTGCAGGT[C>A]AGCAACCTGGGGCAGAGGAGCCTCCCCATCAGCCTGGTGTTCTTGGTGCCCGTCCGGCTG-3'
Protein context (NP_000623.2, residues 947-967): TSRVMQHQYQ[Val957=]SNLGQRSLPI

ClinVar aggregate classification (germline): Uncertain significance (1 of 4 stars; one submission).

Submission:

Labcorp Genetics (formerly Invitae), Labcorp
Classification: Uncertain significance. Last evaluated: 2022-11-28. Review status: criteria provided, single submitter. Criteria: Invitae Variant Classification Sherloc (09022015). Collection method: clinical testing. Allele origin: germline.
Comment: This variant is not present in population databases (gnomAD no frequency). This sequence change affects codon 957 of the ITGAM mRNA. It is a 'silent' change, meaning that it does not change the encoded amino acid sequence of the ITGAM protein. This variant has not been reported in the literature in individuals affected with ITGAM-related conditions. Algorithms developed to predict the effect of sequence changes on RNA splicing suggest that this variant may create or strengthen a splice site. In summary, the available evidence is currently insufficient to determine the role of this variant in disease. Therefore, it has been classified as a Variant of Uncertain Significance.